The following is an entry in ClinVar:

NM_005026.5(PIK3CD):c.2347+6G>A

Gene: PIK3CD (phosphatidylinositol-4,5-bisphosphate 3-kinase catalytic subunit delta; plus strand). Cytogenetic location: 1p36.22.
Variant type: single nucleotide variant.
Coding change: c.2347+6G>A on transcript NM_005026.5 (MANE Select); 6 bases into the intron after coding-DNA position 2347, G replaced by A.
Molecular consequence: intron variant.
Genome position (GRCh38, 1-based): chr1:9,722,362, G>A. VCF-style: chr1-9722362-G-A. GRCh37 (hg19) VCF-style: chr1-9782420-G-A.
Other names: c.2344+6G>A (NM_001350234.2); c.2260+6G>A (NM_001350235.1).
Identifiers: ClinVar variation 1007559 (VCV001007559.9), dbSNP rs368607726, ClinGen allele CA577494.
Genomic context (GRCh38, chr1:9,722,362, plus strand): 5'-AACGAGGAGGCAGGCAGCGGCGGCAGCGTGGGCATCATCTTTAAGAACGGGGATGGTGAG[G>A]GCCTGGCCTCCCCACACCCCGCCTGTACTGCCCTGGGGGGTCCTGGGGTGCTCCTAGAGT-3'

ClinVar aggregate classification (germline): Uncertain significance (1 of 4 stars; one submission).

Conditions:
Immunodeficiency 14 (IMD14A). Also called: ACTIVATED PI3K-DELTA SYNDROME 1; IMMUNODEFICIENCY 14A WITH LYMPHOPROLIFERATION, AUTOSOMAL DOMINANT; Activated PI3K Delta Syndrome Type 1 (APDS1); p110-DELTA-ACTIVATING MUTATION CAUSING SENESCENT T CELLS, LYMPHADENOPATHY, AND IMMUNODEFICIENCY. Identifiers: Orphanet 397596, Orphanet 693661, MedGen C5907821, MONDO:0014222, OMIM 615513.

Allele frequency attached by ClinVar (database versions not stated): ExAC 0.00003; gnomAD exomes 0.00003 and 0.00007; gnomAD 0.00004; TOPMed 0.00005; ESP Exome Variant Server 0.00008.
gnomAD v4.1: 111 of 1,606,858 alleles (0.0069%); highest among the groups gnomAD compares: Non-Finnish European, 0.0088%; no homozygotes.

Submission:

Labcorp Genetics (formerly Invitae), Labcorp
Classification: Uncertain significance for Activated PI3K-delta syndrome. Last evaluated: 2025-08-11. Review status: criteria provided, single submitter. Criteria: Invitae Variant Classification Sherloc (09022015). Collection method: clinical testing. Allele origin: germline.
Comment: This sequence change falls in intron 18 of the PIK3CD gene. It does not directly change the encoded amino acid sequence of the PIK3CD protein. It affects a nucleotide within the consensus splice site. This variant is present in population databases (rs368607726, gnomAD 0.007%). This variant has not been reported in the literature in individuals affected with PIK3CD-related conditions. ClinVar contains an entry for this variant (Variation ID: 1007559). Variants that disrupt the consensus splice site are a relatively common cause of aberrant splicing (PMID: 17576681, 9536098). Algorithms developed to predict the effect of sequence changes on RNA splicing suggest that this variant is not likely to affect RNA splicing. In summary, the available evidence is currently insufficient to determine the role of this variant in disease. Therefore, it has been classified as a Variant of Uncertain Significance.

Literature cited by the submitters: PubMed 17576681 (cited by Labcorp Genetics (formerly Invitae), Labcorp); PubMed 9536098 (cited by Labcorp Genetics (formerly Invitae), Labcorp).